The following is an entry in ClinVar:

ClinVar aggregate classification (germline): Uncertain significance (1 of 4 stars; one submission).

Conditions:
Combined immunodeficiency due to DOCK8 deficiency (HIES2). Also called: HIES autosomal recessive; HYPER-IgE RECURRENT INFECTION SYNDROME 2, AUTOSOMAL RECESSIVE; HYPER-IgE SYNDROME 2, AUTOSOMAL RECESSIVE, WITH RECURRENT INFECTIONS; DOCK8 Deficiency; Hyper-IgE recurrent infection syndrome, autosomal recessive. Identifiers: Orphanet 217390, MedGen C4722305, MONDO:0009478, OMIM 243700.

Submission:

Labcorp Genetics (formerly Invitae), Labcorp
Classification: Uncertain significance for Hyperimmunoglobulin E recurrent infection syndrome, autosomal recessive. Last evaluated: 2018-05-19. Review status: criteria provided, single submitter. Criteria: Invitae Variant Classification Sherloc (09022015). Collection method: clinical testing. Allele origin: germline.
Comment: This sequence change replaces lysine with asparagine at codon 384 of the DOCK8 protein (p.Lys384Asn). The lysine residue is highly conserved and there is a moderate physicochemical difference between lysine and asparagine. This variant is not present in population databases (ExAC no frequency). This variant has not been reported in the literature in individuals with DOCK8-related disease. Algorithms developed to predict the effect of missense changes on protein structure and function are either unavailable or do not agree on the potential impact of this missense change (SIFT: "Deleterious"; PolyPhen-2: "Possibly Damaging"; Align-GVGD: "Class C0"). In summary, the available evidence is currently insufficient to determine the role of this variant in disease. Therefore, it has been classified as a Variant of Uncertain Significance.

NM_203447.4(DOCK8):c.1152A>T (p.Lys384Asn)

Gene: DOCK8 (dedicator of cytokinesis 8; plus strand). Cytogenetic location: 9p24.3.
Variant type: single nucleotide variant.
Coding change: c.1152A>T on transcript NM_203447.4 (MANE Select); coding-DNA position 1152, A replaced by T.
Protein change: p.Lys384Asn; replaces lysine 384 with asparagine.
Molecular consequence: missense variant.
Genome position (GRCh38, 1-based): chr9:334,251, A>T. VCF-style: chr9-334251-A-T. GRCh37 (hg19) VCF-style: chr9-334251-A-T.
Other names: c.948A>T, p.Lys316Asn (NM_001190458.2, NM_001193536.2); short protein forms K384N, K316N.
Identifiers: ClinVar variation 575586 (VCV000575586.1), dbSNP rs780052020, ClinGen allele CA372752541.